The following is an entry in ClinVar:

ClinVar aggregate classification (germline): Uncertain significance (1 of 4 stars; one submission).

Conditions:
Hereditary diffuse gastric adenocarcinoma (HDGC). Also called: DIFFUSE GASTRIC AND LOBULAR BREAST CANCER SYNDROME. Identifiers: Orphanet 26106, MedGen C1708349, MONDO:0007648, OMIM 137215.

Allele frequency attached by ClinVar (database versions not stated): gnomAD exomes below 0.00001.
gnomAD v4.1: 1 of 1,614,176 alleles (0.000062%); highest among the groups gnomAD compares: Non-Finnish European, 0.000085%; no homozygotes.

Submission:

Labcorp Genetics (formerly Invitae), Labcorp
Classification: Uncertain significance for Hereditary diffuse gastric adenocarcinoma. Last evaluated: 2024-03-13. Review status: criteria provided, single submitter. Criteria: Invitae Variant Classification Sherloc (09022015). Collection method: clinical testing. Allele origin: germline.
Comment: This sequence change replaces arginine, which is basic and polar, with lysine, which is basic and polar, at codon 209 of the CDH1 protein (p.Arg209Lys). This variant is not present in population databases (gnomAD no frequency). This variant has not been reported in the literature in individuals affected with CDH1-related conditions. ClinVar contains an entry for this variant (Variation ID: 406662). An algorithm developed to predict the effect of missense changes on protein structure and function (PolyPhen-2) suggests that this variant is likely to be tolerated. In summary, the available evidence is currently insufficient to determine the role of this variant in disease. Therefore, it has been classified as a Variant of Uncertain Significance.

NM_004360.5(CDH1):c.626G>A (p.Arg209Lys)

Gene: CDH1 (cadherin 1; plus strand). Cytogenetic location: 16q22.1.
Variant type: single nucleotide variant.
Coding change: c.626G>A on transcript NM_004360.5 (MANE Select); coding-DNA position 626, G replaced by A.
Protein change: p.Arg209Lys; replaces arginine 209 with lysine.
Molecular consequence: missense variant. On other transcripts: 5 prime UTR variant (2).
Genome position (GRCh38, 1-based): chr16:68,808,787, G>A. VCF-style: chr16-68808787-G-A. GRCh37 (hg19) VCF-style: chr16-68842690-G-A.
Other names: c.626G>A (LRG_301t1); c.626G>A, p.Arg209Lys (NM_001317184.2); c.-990G>A (NM_001317185.2); c.-1194G>A (NM_001317186.2); short protein forms R209K.
Identifiers: ClinVar variation 406662 (VCV000406662.9), dbSNP rs1060501243, ClinGen allele CA16615222.